The following is an entry in ClinVar:

ClinVar aggregate classification (germline): Benign/Likely benign. Review status: criteria provided, multiple submitters, no conflicts (2 of 4 stars). 4 submissions from 4 submitters: Benign (1); Likely benign (3). Last evaluated 2025-05-04.

Conditions:
Hereditary cancer-predisposing syndrome. Also called: Hereditary Cancer Syndrome; Neoplastic Syndromes, Hereditary; Tumor predisposition; Hereditary neoplastic syndrome. Identifiers: Orphanet 140162, MedGen C0027672, MeSH D009386, MONDO:0015356.
Peutz-Jeghers syndrome (PJS). Also called: POLYPOSIS, HAMARTOMATOUS INTESTINAL; POLYPS-AND-SPOTS SYNDROME; Peutz-Jeghers polyposis; Periorificial lentiginosis syndrome. Identifiers: Orphanet 2869, MedGen C0031269, MeSH D010580, MONDO:0008280, OMIM 175200.

Submissions (4):

Labcorp Genetics (formerly Invitae), Labcorp
Classification: Likely benign for Peutz-Jeghers syndrome. Last evaluated: 2025-05-04. Review status: criteria provided, single submitter. Criteria: Invitae Variant Classification Sherloc (09022015). Collection method: clinical testing. Allele origin: germline.

Myriad Genetics, Inc.
Classification: Benign for Peutz-Jeghers syndrome. Last evaluated: 2025-03-27. Review status: criteria provided, single submitter. Criteria: Myriad Autosomal Dominant, Autosomal Recessive and X-Linked Classification Criteria (2023). Collection method: clinical testing. Allele origin: unknown.
Comment: This variant is considered benign. This variant is a silent/synonymous amino acid change and it is not expected to impact splicing.

Color Diagnostics, LLC DBA Color Health
Classification: Likely benign for Hereditary cancer-predisposing syndrome. Last evaluated: 2016-05-17. Review status: criteria provided, single submitter. Criteria: ACMG Guidelines, 2015. Collection method: clinical testing. Allele origin: germline.

Ambry Genetics
Classification: Likely benign for Hereditary cancer-predisposing syndrome. Last evaluated: 2014-11-02. Review status: criteria provided, single submitter. Criteria: Ambry Variant Classification Scheme 2023. Collection method: clinical testing. Allele origin: germline.

NM_000455.5(STK11):c.828C>A (p.Gly276=)

Gene: STK11 (serine/threonine kinase 11; plus strand). Cytogenetic location: 19p13.3.
Variant type: single nucleotide variant.
Coding change: c.828C>A on transcript NM_000455.5 (MANE Select); coding-DNA position 828, C replaced by A.
Protein change: p.Gly276=; no amino-acid change (glycine 276 retained).
Molecular consequence: synonymous variant.
Genome position (GRCh38, 1-based): chr19:1,221,306, C>A. VCF-style: chr19-1221306-C-A. GRCh37 (hg19) VCF-style: chr19-1221305-C-A.
Identifiers: ClinVar variation 187062 (VCV000187062.15), dbSNP rs200824447, ClinGen allele CA023288.